The following is an entry in ClinVar:

NM_173628.4(DNAH17):c.8128A>G (p.Met2710Val)

Gene: DNAH17 (dynein axonemal heavy chain 17; minus strand). Cytogenetic location: 17q25.3.
Variant type: single nucleotide variant.
Coding change: c.8128A>G on transcript NM_173628.4 (MANE Select); coding-DNA position 8128, A replaced by G.
Protein change: p.Met2710Val; replaces methionine 2710 with valine.
Molecular consequence: missense variant.
Genome position (GRCh38, 1-based): chr17:78,476,598, T>C on the plus strand (A>G on the coding strand, the complement: DNAH17 is on the minus strand). VCF-style: chr17-78476598-T-C. GRCh37 (hg19) VCF-style: chr17-76472680-T-C.
Other names: short protein forms M2710V.
Identifiers: ClinVar variation 3041900 (VCV003041900.2), dbSNP rs200518254, ClinGen allele CA8801973.

ClinVar aggregate classification (germline): Benign (0 of 4 stars; one submission).

Conditions:
DNAH17-related disorder. Also called: DNAH17-related condition.

Allele frequency attached by ClinVar (database versions not stated): ESP Exome Variant Server 0.00040; 1000 Genomes Project 30x 0.00078; 1000 Genomes Project 0.00080.
gnomAD v4.1: 1,752 of 1,611,186 alleles (0.11%); highest among the groups gnomAD compares: Middle Eastern, 0.17%; 3 homozygotes.

Submission:

PreventionGenetics, part of Exact Sciences
Classification: Benign for DNAH17-related condition. Last evaluated: 2019-07-10. Review status: no assertion criteria provided. Collection method: clinical testing. Allele origin: germline.
Comment: This variant is classified as benign based on ACMG/AMP sequence variant interpretation guidelines (Richards et al. 2015 PMID: 25741868, with internal and published modifications).